The following is an entry in ClinVar:

NM_006147.4(IRF6):c.1141_1154delinsAA (p.Asp381_Leu385delinsLys)

Gene: IRF6 (interferon regulatory factor 6; minus strand). Cytogenetic location: 1q32.2.
Variant type: Indel.
Coding change: c.1141_1154delinsAA on transcript NM_006147.4 (MANE Select); coding-DNA positions 1141 to 1154, GATGGGAAACCATT replaced by AA.
Protein change: p.Asp381_Leu385delinsLys.
Molecular consequence: inframe indel.
Genome position (GRCh38, 1-based): chr1:209,789,692-209,789,705, AATGGTTTCCCATC replaced by TT on the plus strand (GATGGGAAACCATT replaced by AA on the coding strand, the reverse complement: IRF6 is on the minus strand). VCF-style: chr1-209789692-AATGGTTTCCCATC-TT. GRCh37 (hg19) VCF-style: chr1-209963037-AATGGTTTCCCATC-TT.
Other names: c.856_869delinsAA, p.Asp286_Leu290delinsLys (NM_001206696.2).
Identifiers: ClinVar variation 3347769 (VCV003347769.1).

ClinVar aggregate classification (germline): Uncertain significance (0 of 4 stars; one submission).

Conditions:
IRF6-related condition. Also called: IRF6-related disorder; IRF6-Related Disorders. Identifiers: MedGen CN378148, MONDO:1040010.

Submission:

PreventionGenetics, part of Exact Sciences
Classification: Uncertain significance for IRF6-related condition. Last evaluated: 2024-08-15. Review status: no assertion criteria provided. Collection method: clinical testing. Allele origin: germline.
Comment: The IRF6 c.1141_1154delinsAA variant is predicted to result in an in-frame deletion and insertion. To our knowledge, this variant has not been reported in the literature or in a large population database, indicating this variant is rare. At this time, the clinical significance of this variant is uncertain due to the absence of conclusive functional and genetic evidence.